The following is an entry in ClinVar:

ClinVar aggregate classification (germline): Uncertain significance (1 of 4 stars; one submission).

Submission:

GeneDx
Classification: Uncertain significance. Last evaluated: 2020-09-09. Review status: criteria provided, single submitter. Criteria: GeneDx Variant Classification (06012015). Collection method: clinical testing. Allele origin: germline. Affected: yes.

NM_005499.3(UBA2):c.1186G>C (p.Gly396Arg)

Gene: UBA2 (ubiquitin like modifier activating enzyme 2; plus strand). Cytogenetic location: 19q13.11.
Variant type: single nucleotide variant.
Coding change: c.1186G>C on transcript NM_005499.3 (MANE Select); coding-DNA position 1186, G replaced by C.
Protein change: p.Gly396Arg; replaces glycine 396 with arginine.
Molecular consequence: missense variant.
Genome position (GRCh38, 1-based): chr19:34,454,497, G>C. VCF-style: chr19-34454497-G-C. GRCh37 (hg19) VCF-style: chr19-34945402-G-C.
Other names: short protein forms G396R.
Identifiers: ClinVar variation 979176 (VCV000979176.1), dbSNP rs2075536863, ClinGen allele CA405256987.